The following is an entry in ClinVar:

ClinVar aggregate classification (germline): Pathogenic (1 of 4 stars; one submission).

Conditions:
Neurodegeneration with brain iron accumulation 5 (NBIA5). Also called: Beta-propeller protein-associated neurodegeneration; STATIC ENCEPHALOPATHY OF CHILDHOOD WITH NEURODEGENERATION IN ADULTHOOD. Identifiers: Orphanet 329284, MedGen C3550973, MONDO:0010476, OMIM 300894.

Submission:

Labcorp Genetics (formerly Invitae), Labcorp
Classification: Pathogenic for Neurodegeneration with brain iron accumulation 5. Last evaluated: 2023-10-25. Review status: criteria provided, single submitter. Criteria: Invitae Variant Classification Sherloc (09022015). Collection method: clinical testing. Allele origin: germline.
Comment: This sequence change falls in intron 10 of the WDR45 gene. It does not directly change the encoded amino acid sequence of the WDR45 protein. It affects a nucleotide within the consensus splice site. This variant is not present in population databases (gnomAD no frequency). This variant has been observed in individual(s) with clinical features of WDR45-related conditions (Invitae). In at least one individual the variant was observed to be de novo. ClinVar contains an entry for this variant (Variation ID: 2132683). Variants that disrupt the consensus splice site are a relatively common cause of aberrant splicing (PMID: 17576681, 9536098). Algorithms developed to predict the effect of sequence changes on RNA splicing suggest that this variant may disrupt the consensus splice site. This variant disrupts the c.830+5G nucleotide in the WDR45 gene. Other variant(s) that disrupt this nucleotide have been determined to be pathogenic (Invitae). This suggests that this nucleotide is clinically significant, and that variants that disrupt this position are likely to be disease-causing. For these reasons, this variant has been classified as Pathogenic.

Literature cited by the submitters: PubMed 17576681; PubMed 9536098.

NM_001029896.2(WDR45):c.827+5G>T

Gene: WDR45 (WD repeat domain 45; minus strand). Cytogenetic location: Xp11.23.
Variant type: single nucleotide variant.
Coding change: c.827+5G>T on transcript NM_001029896.2 (MANE Select); 5 bases into the intron after coding-DNA position 827, G replaced by T.
Molecular consequence: intron variant.
Genome position (GRCh38, 1-based): chrX:49,075,359, C>A on the plus strand (G>T on the coding strand, the complement: WDR45 is on the minus strand). VCF-style: chrX-49075359-C-A. GRCh37 (hg19) VCF-style: chrX-48933018-C-A.
Other names: c.830+5G>T (NM_007075.4).
Identifiers: ClinVar variation 2132683 (VCV002132683.4), dbSNP rs1557083956, ClinGen allele CA2580101075.
Genomic context (GRCh38, chrX:49,075,359, plus strand): 5'-TAAGCCCAGGTATGGTAAATGGGCAGGGGGACAGGGACACGGTAGGGTGGGGAGGGGGTA[C>A]TCACGCGGAGCGGCGGTTGAGGCGGGTATCCTTGAGAGCAAAGATATGGACAGTACCCTT-3'